The following is an entry in ClinVar:

ClinVar aggregate classification (germline): Uncertain significance (1 of 4 stars; one submission).

Conditions:
Inborn genetic diseases. Identifiers: MedGen C0950123, MeSH D030342.

Submission:

Ambry Genetics
Classification: Uncertain significance for Inborn genetic diseases. Last evaluated: 2026-01-18. Review status: criteria provided, single submitter. Criteria: Ambry Variant Classification Scheme 2023. Collection method: clinical testing. Allele origin: germline.
Comment: The p.H106P variant (also known as c.317A>C), located in coding exon 1 of the SAMD9L gene, results from an A to C substitution at nucleotide position 317. The histidine at codon 106 is replaced by proline, an amino acid with similar properties. This amino acid position is conserved. In addition, this alteration is predicted to be tolerated by in silico analysis. Based on the available evidence, the clinical significance of this variant remains unclear.

NM_152703.5(SAMD9L):c.317A>C (p.His106Pro)

Gene: SAMD9L (sterile alpha motif domain containing 9 like; minus strand). Cytogenetic location: 7q21.2.
Variant type: single nucleotide variant.
Coding change: c.317A>C on transcript NM_152703.5 (MANE Select); coding-DNA position 317, A replaced by C.
Protein change: p.His106Pro; replaces histidine 106 with proline.
Molecular consequence: missense variant.
Genome position (GRCh38, 1-based): chr7:93,135,655, T>G on the plus strand (A>C on the coding strand, the complement: SAMD9L is on the minus strand). VCF-style: chr7-93135655-T-G. GRCh37 (hg19) VCF-style: chr7-92764968-T-G.
Other names: c.317A>C, p.His106Pro (NM_001303496.3, NM_001303497.3, NM_001303498.3 and 5 more transcripts); short protein forms H106P.
Identifiers: ClinVar variation 4844801 (VCV004844801.1).